The following is an entry in ClinVar:

ClinVar aggregate classification (germline): Uncertain significance. Review status: criteria provided, multiple submitters, no conflicts (2 of 4 stars). 2 submissions from 2 submitters: Uncertain significance (2). Last evaluated 2024-11-13.

Conditions:
Inborn genetic diseases. Identifiers: MedGen C0950123, MeSH D030342.

Allele frequency attached by ClinVar (database versions not stated): ExAC 0.00005; gnomAD exomes 0.00006; gnomAD 0.00008; TOPMed 0.00008; ESP Exome Variant Server 0.00015.

Submissions (2):

Ambry Genetics
Classification: Uncertain significance for Inborn genetic diseases. Last evaluated: 2024-11-13. Review status: criteria provided, single submitter. Criteria: Ambry Variant Classification Scheme 2023. Collection method: clinical testing. Allele origin: germline.

Labcorp Genetics (formerly Invitae), Labcorp
Classification: Uncertain significance. Last evaluated: 2022-02-10. Review status: criteria provided, single submitter. Criteria: Invitae Variant Classification Sherloc (09022015). Collection method: clinical testing. Allele origin: germline.
Comment: This sequence change replaces valine, which is neutral and non-polar, with glycine, which is neutral and non-polar, at codon 72 of the DNAAF4 protein (p.Val72Gly). This variant is present in population databases (rs143352613, gnomAD 0.01%). This variant has not been reported in the literature in individuals affected with DNAAF4-related conditions. ClinVar contains an entry for this variant (Variation ID: 952656). Algorithms developed to predict the effect of missense changes on protein structure and function are either unavailable or do not agree on the potential impact of this missense change (SIFT: "Deleterious"; PolyPhen-2: "Possibly Damaging"; Align-GVGD: "Class C0"). In summary, the available evidence is currently insufficient to determine the role of this variant in disease. Therefore, it has been classified as a Variant of Uncertain Significance.

NM_130810.4(DNAAF4):c.215T>G (p.Val72Gly)

Genes: DNAAF4 (dynein axonemal assembly factor 4; minus strand), DNAAF4-CCPG1 (DNAAF4-CCPG1 readthrough (NMD candidate); minus strand). Cytogenetic location: 15q21.3.
Variant type: single nucleotide variant.
Coding change: c.215T>G on transcript NM_130810.4 (MANE Select); coding-DNA position 215, T replaced by G.
Protein change: p.Val72Gly; replaces valine 72 with glycine.
Molecular consequence: missense variant. On other transcripts: non-coding transcript variant (1).
Genome position (GRCh38, 1-based): chr15:55,497,768, A>C on the plus strand (T>G on the coding strand, the complement: DNAAF4 is on the minus strand). VCF-style: chr15-55497768-A-C. GRCh37 (hg19) VCF-style: chr15-55789966-A-C.
Other names: c.215T>G, p.Val72Gly (NM_001033559.3, NM_001033560.2); short protein forms V72G.
Identifiers: ClinVar variation 952656 (VCV000952656.8), dbSNP rs143352613, ClinGen allele CA7575106.